The following is an entry in ClinVar:

ClinVar aggregate classification (germline): Benign/Likely benign. Review status: criteria provided, multiple submitters, no conflicts (2 of 4 stars). 3 submissions from 3 submitters: Benign (1); Likely benign (2). Last evaluated 2026-07-02.

Conditions:
Sessile serrated polyposis cancer syndrome (SSPCS). Identifiers: Orphanet 157798, MedGen C4310714, MONDO:0014919, OMIM 617108.

Submissions (3):

Myriad Genetics, Inc.
Classification: Benign for Sessile serrated polyposis cancer syndrome. Last evaluated: 2026-07-02. Review status: criteria provided, single submitter. Criteria: Myriad Autosomal Dominant, Autosomal Recessive and X-Linked Classification Criteria (2023). Collection method: clinical testing. Allele origin: unknown.
Comment: This variant is considered benign. This variant is a silent/synonymous amino acid change and it is not expected to impact splicing.

Ambry Genetics
Classification: Likely benign. Last evaluated: 2025-02-02. Review status: criteria provided, single submitter. Criteria: Ambry Variant Classification Scheme 2023. Collection method: clinical testing. Allele origin: germline.

Labcorp Genetics (formerly Invitae), Labcorp
Classification: Likely benign. Last evaluated: 2024-03-03. Review status: criteria provided, single submitter. Criteria: Invitae Variant Classification Sherloc (09022015). Collection method: clinical testing. Allele origin: germline.

NM_017763.6(RNF43):c.1983C>A (p.Ser661=)

Gene: RNF43 (ring finger protein 43; minus strand). Cytogenetic location: 17q22.
Variant type: single nucleotide variant.
Coding change: c.1983C>A on transcript NM_017763.6 (MANE Select); coding-DNA position 1983, C replaced by A.
Protein change: p.Ser661=; no amino-acid change (serine 661 retained).
Molecular consequence: synonymous variant.
Genome position (GRCh38, 1-based): chr17:58,357,793, G>T on the plus strand (C>A on the coding strand, the complement: RNF43 is on the minus strand). VCF-style: chr17-58357793-G-T. GRCh37 (hg19) VCF-style: chr17-56435154-G-T.
Other names: c.1983C>A, p.Ser661= (NM_001305544.3); c.1602C>A, p.Ser534= (NM_001305545.2).
Identifiers: ClinVar variation 3020237 (VCV003020237.5), dbSNP rs371820221, ClinGen allele CA292030513.
Genomic context (GRCh38, chr17:58,357,793, plus strand): 5'-AAAAATCTGGCAAGCTGGGTGCACAGTTGCATCCTGGGGCCGAGAGCCAGGGGTGGGCTC[G>T]GAGGGACCCCCCCGCCTTTTCCTCTGTGGGTGTCGGGCAGAGAGGCTGGATTTTTGCAAG-3'
Protein context (NP_060233.3, residues 651-671): HPQRKRRGGP[Ser661=]EPTPGSRPQD